The following is an entry in ClinVar:

ClinVar aggregate classification (germline): Uncertain significance. Review status: criteria provided, multiple submitters, no conflicts (2 of 4 stars). 2 submissions from 2 submitters: Uncertain significance (2). Last evaluated 2025-10-26.

Conditions:
Gnathodiaphyseal dysplasia (GDD). Also called: GNATHODIAPHYSEAL SCLEROSIS; OSTEOGENESIS IMPERFECTA WITH UNUSUAL SKELETAL LESIONS. Identifiers: Orphanet 53697, MedGen C1833736, MONDO:0008151, OMIM 166260.
Autosomal recessive limb-girdle muscular dystrophy type 2L (LGMDR12). Also called: Limb-girdle muscular dystrophy, type 2L; Limb-Girdle Muscular Dystrophy R12 Anoctamin-5-Related (LGMD-R12); MUSCULAR DYSTROPHY, LIMB-GIRDLE, AUTOSOMAL RECESSIVE 12. Identifiers: Orphanet 206549, MedGen C1969785, MONDO:0012652, OMIM 611307.
Inborn genetic diseases. Identifiers: MedGen C0950123, MeSH D030342.

gnomAD v4.1: 7 of 1,613,762 alleles (0.00043%); highest among the groups gnomAD compares: African/African-American, 0.0067%; no homozygotes.

Submissions (2):

Labcorp Genetics (formerly Invitae), Labcorp
Classification: Uncertain significance for Autosomal recessive limb-girdle muscular dystrophy type 2L; Gnathodiaphyseal dysplasia. Last evaluated: 2025-10-26. Review status: criteria provided, single submitter. Criteria: Invitae Variant Classification Sherloc (09022015). Collection method: clinical testing. Allele origin: germline.
Comment: This sequence change replaces serine, which is neutral and polar, with phenylalanine, which is neutral and non-polar, at codon 571 of the ANO5 protein (p.Ser571Phe). This variant is present in population databases (no rsID available, gnomAD 0.01%). This variant has not been reported in the literature in individuals affected with ANO5-related conditions. ClinVar contains an entry for this variant (Variation ID: 2421747). Invitae Evidence Modeling of protein sequence and biophysical properties (such as structural, functional, and spatial information, amino acid conservation, physicochemical variation, residue mobility, and thermodynamic stability) indicates that this missense variant is expected to disrupt ANO5 protein function with a positive predictive value of 95%. Algorithms developed to predict the effect of sequence changes on RNA splicing suggest that this variant may disrupt the consensus splice site. In summary, the available evidence is currently insufficient to determine the role of this variant in disease. Therefore, it has been classified as a Variant of Uncertain Significance.

Ambry Genetics
Classification: Uncertain significance for Inborn genetic diseases. Last evaluated: 2025-09-05. Review status: criteria provided, single submitter. Criteria: Ambry Variant Classification Scheme 2023. Collection method: clinical testing. Allele origin: germline.

NM_213599.3(ANO5):c.1712C>T (p.Ser571Phe)

Gene: ANO5 (anoctamin 5; plus strand). Cytogenetic location: 11p14.3.
Variant type: single nucleotide variant.
Coding change: c.1712C>T on transcript NM_213599.3 (MANE Select); coding-DNA position 1712, C replaced by T.
Protein change: p.Ser571Phe; replaces serine 571 with phenylalanine.
Molecular consequence: missense variant.
Genome position (GRCh38, 1-based): chr11:22,262,210, C>T. VCF-style: chr11-22262210-C-T. GRCh37 (hg19) VCF-style: chr11-22283756-C-T.
Other names: c.1709C>T, p.Ser570Phe (NM_001142649.2); c.1670C>T, p.Ser557Phe (NM_001410963.1); c.1667C>T, p.Ser556Phe (NM_001410964.1); short protein forms S556F, S557F, S570F, S571F.
Identifiers: ClinVar variation 2421747 (VCV002421747.9), dbSNP rs1358754039, ClinGen allele CA379922655.